The following is an entry in ClinVar:

NM_002485.5(NBN):c.1919A>G (p.Asn640Ser)

Gene: NBN (nibrin; minus strand). Cytogenetic location: 8q21.3.
Variant type: single nucleotide variant.
Coding change: c.1919A>G on transcript NM_002485.5 (MANE Select); coding-DNA position 1919, A replaced by G.
Protein change: p.Asn640Ser; replaces asparagine 640 with serine.
Molecular consequence: missense variant.
Genome position (GRCh38, 1-based): chr8:89,946,291, T>C on the plus strand (A>G on the coding strand, the complement: NBN is on the minus strand). VCF-style: chr8-89946291-T-C. GRCh37 (hg19) VCF-style: chr8-90958519-T-C.
Other names: c.1673A>G, p.Asn558Ser (NM_001024688.3); short protein forms N640S, N558S.
Identifiers: ClinVar variation 187411 (VCV000187411.26), dbSNP rs748073091, ClinGen allele CA197577.
Genomic context (GRCh38, chr8:89,946,291, plus strand): 5'-CTAAATTCAGTCAATAACAGCTTTTTTGGAAGCATCTCACTATCATCCTGAAGTTTGTCA[T>C]TGTTCTTAAATGGGGTTAAGATGGATAGGTAAGAAAGAGAAGAAATAACAAAGAAAAGTC-3'
Protein context (NP_002476.2, residues 630-650): SLWSAKEISN[Asn640Ser]DKLQDDSEML

ClinVar aggregate classification (germline): Uncertain significance. Review status: criteria provided, multiple submitters, no conflicts (2 of 4 stars). 5 submissions from 5 submitters: Uncertain significance (4). 1 of the submissions does not count toward it. Last evaluated 2025-01-13.

Conditions:
Hereditary cancer-predisposing syndrome. Also called: Hereditary Cancer Syndrome; Neoplastic Syndromes, Hereditary; Tumor predisposition; Hereditary neoplastic syndrome. Identifiers: Orphanet 140162, MedGen C0027672, MeSH D009386, MONDO:0015356.
Microcephaly, normal intelligence and immunodeficiency (NBS). Also called: IMMUNODEFICIENCY, MICROCEPHALY, AND CHROMOSOMAL INSTABILITY; SEEMANOVA SYNDROME II; Immunodeficiency, microcephaly with normal intelligence; Ataxia telangiectasia variant V1; Nijmegen breakage syndrome; Microcephaly with normal intelligence immunodeficiency and lymphoreticular malignancies. Identifiers: Orphanet 647, MedGen C0398791, MONDO:0009623, OMIM 251260.

Allele frequency attached by ClinVar (database versions not stated): ExAC 0.00001; gnomAD 0.00001; gnomAD exomes 0.00001 and 0.00002; TOPMed 0.00001.
gnomAD v4.1: 22 of 1,581,640 alleles (0.0014%); highest among the groups gnomAD compares: Admixed American, 0.0017%; no homozygotes.

Submissions (5):

Labcorp Genetics (formerly Invitae), Labcorp
Classification: Uncertain significance for Microcephaly, normal intelligence and immunodeficiency. Last evaluated: 2025-01-13. Review status: criteria provided, single submitter. Criteria: Invitae Variant Classification Sherloc (09022015). Collection method: clinical testing. Allele origin: germline.
Comment: This sequence change replaces asparagine, which is neutral and polar, with serine, which is neutral and polar, at codon 640 of the NBN protein (p.Asn640Ser). This variant is present in population databases (rs748073091, gnomAD 0.003%). This variant has not been reported in the literature in individuals affected with NBN-related conditions. ClinVar contains an entry for this variant (Variation ID: 187411). An algorithm developed to predict the effect of missense changes on protein structure and function outputs the following: PolyPhen-2: "Benign". The serine amino acid residue is found in multiple mammalian species, which suggests that this missense change does not adversely affect protein function. RNA analysis performed to evaluate the impact of this missense change on mRNA splicing indicates it does not significantly alter splicing (internal data). In summary, the available evidence is currently insufficient to determine the role of this variant in disease. Therefore, it has been classified as a Variant of Uncertain Significance.

GeneDx
Classification: Uncertain significance. Last evaluated: 2023-01-13. Review status: criteria provided, single submitter. Criteria: GeneDx Variant Classification Process June 2021. Collection method: clinical testing. Allele origin: germline. Affected: yes.
Comment: Observed in an individual with a personal and/or family history of breast and/or ovarian cancer (Hauke et al., 2018); Not observed at significant frequency in large population cohorts (gnomAD); In silico analysis supports a deleterious effect on splicing; In silico analysis supports that this missense variant does not alter protein structure/function; This variant is associated with the following publications: (PMID: 24894818, 29522266)

Ambry Genetics
Classification: Uncertain significance for Hereditary cancer-predisposing syndrome. Last evaluated: 2022-06-09. Review status: criteria provided, single submitter. Criteria: Ambry Variant Classification Scheme 2023. Collection method: clinical testing. Allele origin: germline.
Comment: The p.N640S variant (also known as c.1919A>G), located in coding exon 13 of the NBN gene, results from an A to G substitution at nucleotide position 1919. The asparagine at codon 640 is replaced by serine, an amino acid with highly similar properties. This alteration was detected in 1/5589 German BRCA1/2-negative probands with breast cancer (Hauke J et al. Cancer Med, 2018 04;7:1349-1358). This amino acid position is not well conserved in available vertebrate species. In addition, this alteration is predicted to be tolerated by in silico analysis. Since supporting evidence is limited at this time, the clinical significance of this alteration remains unclear.

Genome-Nilou Lab
Classification: Uncertain significance for Microcephaly, normal intelligence and immunodeficiency. Last evaluated: 2021-11-07. Review status: criteria provided, single submitter. Criteria: ACMG Guidelines, 2015. Collection method: clinical testing. Allele origin: germline. Affected: no.

Natera, Inc.
Classification: Uncertain significance for Nijmegen breakage syndrome. Last evaluated: 2021-06-01. Review status: no assertion criteria provided. Collection method: clinical testing. Allele origin: germline. Not counted in ClinVar's aggregate classification.

Literature cited by the submitters: PubMed 29522266 (cited by Ambry Genetics).